The following is an entry in ClinVar:

NM_198904.4(GABRG2):c.244C>T (p.Arg82Trp)

Gene: GABRG2 (gamma-aminobutyric acid type A receptor subunit gamma2; plus strand). Cytogenetic location: 5q34.
Variant type: single nucleotide variant.
Coding change: c.244C>T on transcript NM_198904.4 (MANE Select); coding-DNA position 244, C replaced by T.
Protein change: p.Arg82Trp; replaces arginine 82 with tryptophan.
Molecular consequence: missense variant. On other transcripts: 5 prime UTR variant (3).
Genome position (GRCh38, 1-based): chr5:162,093,964, C>T. VCF-style: chr5-162093964-C-T. GRCh37 (hg19) VCF-style: chr5-161520970-C-T.
Other names: c.244C>T, p.Arg82Trp (NM_000816.3, NM_001375340.1, NM_001375341.1 and 4 more transcripts); c.235C>T, p.Arg79Trp (NM_001375339.1); c.178C>T, p.Arg60Trp (NM_001375345.1, NM_001375346.1); c.157C>T, p.Arg53Trp (NM_001375347.1); c.-115C>T (NM_001375348.1, NM_001375350.1); c.-42C>T (NM_001375349.1); short protein forms R82W, R53W, R60W, R79W.
Identifiers: ClinVar variation 1791457 (VCV001791457.8), dbSNP rs146470870, ClinGen allele CA131111287.

ClinVar aggregate classification (germline): Pathogenic/Likely pathogenic. Review status: criteria provided, multiple submitters, no conflicts (2 of 4 stars). 2 submissions from 2 submitters: Pathogenic (1); Likely pathogenic (1). Last evaluated 2026-08-16.

Conditions:
Inborn genetic diseases. Identifiers: MedGen C0950123, MeSH D030342.
Febrile seizures, familial, 8 (FEB8). Also called: CONVULSIONS, FAMILIAL FEBRILE, 8. Identifiers: Orphanet 36387, MedGen C1969810, MONDO:0011891, OMIM 607681.
EPILEPSY, CHILDHOOD ABSENCE, SUSCEPTIBILITY TO, 2 (ECA2). Identifiers: Orphanet 64280, MedGen C1843244, OMIM 607681.

Allele frequency attached by ClinVar (database versions not stated): gnomAD exomes below 0.00001.
gnomAD v4.1: 2 of 1,613,184 alleles (0.00012%); highest among the groups gnomAD compares: Admixed American, 0.0017%; no homozygotes.

Submissions (2):

Ambry Genetics
Classification: Likely pathogenic for Inborn genetic diseases. Last evaluated: 2026-08-16. Review status: criteria provided, single submitter. Criteria: Ambry Variant Classification Scheme 2023. Collection method: clinical testing. Allele origin: germline.
Comment: The c.244C>T (p.R82W) alteration is located in exon 2 (coding exon 2) of the GABRG2 gene. This alteration results from a C to T substitution at nucleotide position 244, causing the arginine (R) at amino acid position 82 to be replaced by a tryptophan (W). This variant was not reported in population-based cohorts in the Genome Aggregation Database (gnomAD). This variant was reported in individual(s) with features consistent with GABRG2-related seizure disorders (external communication; Ambry internal data). Other variant(s) at the same codon, c.245G>A (p.R82Q), have been identified in individual(s) with features consistent with GABRG2-related seizure disorders (Wallace, 2001; Hesse, 2018). This amino acid position is highly conserved in available vertebrate species. This missense variant is located in a region that has a low rate of benign missense variation (Lek, 2016; Firth, 2009). Based on internal structural analysis, this variant is anticipated to result in a significant decrease in structural stability (Zhu, 2018; Zhu, 2022). This alteration is predicted to be deleterious by in silico analysis. Based on the available evidence, this alteration is classified as likely pathogenic.

Labcorp Genetics (formerly Invitae), Labcorp
Classification: Pathogenic for Febrile seizures, familial, 8; EPILEPSY, CHILDHOOD ABSENCE, SUSCEPTIBILITY TO, 2. Last evaluated: 2025-12-13. Review status: criteria provided, single submitter. Criteria: Invitae Variant Classification Sherloc (09022015). Collection method: clinical testing. Allele origin: germline.
Comment: This sequence change replaces arginine, which is basic and polar, with tryptophan, which is neutral and slightly polar, at codon 82 of the GABRG2 protein (p.Arg82Trp). This variant is not present in population databases (gnomAD no frequency). This missense change has been observed in individuals with clinical features of generalized epilepsy with febrile seizures plus (internal data). ClinVar contains an entry for this variant (Variation ID: 1791457). Invitae Evidence Modeling of protein sequence and biophysical properties (such as structural, functional, and spatial information, amino acid conservation, physicochemical variation, residue mobility, and thermodynamic stability) indicates that this missense variant is expected to disrupt GABRG2 protein function with a positive predictive value of 95%. This variant disrupts the p.Arg82 amino acid residue in GABRG2. Other variant(s) that disrupt this residue have been determined to be pathogenic (PMID: 11326275, 12097483, 15470132, 25731747). This suggests that this residue is clinically significant, and that variants that disrupt this residue are likely to be disease-causing. For these reasons, this variant has been classified as Pathogenic.

Literature cited by the submitters: PubMed 11326275 (cited by Ambry Genetics and Labcorp Genetics (formerly Invitae), Labcorp); PubMed 29778030 (cited by Ambry Genetics); PubMed 29950725 (cited by Ambry Genetics); PubMed 35933426 (cited by Ambry Genetics); PubMed 12097483 (cited by Labcorp Genetics (formerly Invitae), Labcorp); PubMed 15470132 (cited by Labcorp Genetics (formerly Invitae), Labcorp); PubMed 25731747 (cited by Labcorp Genetics (formerly Invitae), Labcorp).